The following is an entry in ClinVar:

ClinVar aggregate classification (germline): Uncertain significance (1 of 4 stars; one submission).

Conditions:
Deficiency of acetyl-CoA acetyltransferase. Also called: Beta-ketothiolase deficiency; MITOCHONDRIAL ACETOACETYL-CoA THIOLASE DEFICIENCY; 3-KETOTHIOLASE DEFICIENCY; 3-OXOTHIOLASE DEFICIENCY. Identifiers: Orphanet 134, MedGen C1536500, MONDO:0008760, OMIM 203750. Disease mechanism: loss of function.

Submission:

Labcorp Genetics (formerly Invitae), Labcorp
Classification: Uncertain significance for Deficiency of acetyl-CoA acetyltransferase. Last evaluated: 2019-12-05. Review status: criteria provided, single submitter. Criteria: Invitae Variant Classification Sherloc (09022015). Collection method: clinical testing. Allele origin: germline.
Comment: This sequence change replaces arginine with glycine at codon 208 of the ACAT1 protein (p.Arg208Gly). The arginine residue is highly conserved and there is a moderate physicochemical difference between arginine and glycine. This variant is not present in population databases (ExAC no frequency). Algorithms developed to predict the effect of missense changes on protein structure and function are either unavailable or do not agree on the potential impact of this missense change (SIFT: "Deleterious"; PolyPhen-2: "Possibly Damaging"; Align-GVGD: "Class C0"). The observation of one or more missense substitutions at this codon (p.Arg208Gln and p.Arg208Gly) in affected individuals suggests that this may be a clinically significant residue (PMID: 17236799, Invitae). In summary, the available evidence is currently insufficient to determine the role of this variant in disease. Therefore, it has been classified as a Variant of Uncertain Significance.

Literature cited by the submitters: PubMed 17236799.

NM_000019.4(ACAT1):c.622C>G (p.Arg208Gly)

Gene: ACAT1 (acetyl-CoA acetyltransferase 1; plus strand). Cytogenetic location: 11q22.3.
Variant type: single nucleotide variant.
Coding change: c.622C>G on transcript NM_000019.4 (MANE Select); coding-DNA position 622, C replaced by G.
Protein change: p.Arg208Gly; replaces arginine 208 with glycine.
Molecular consequence: missense variant.
Genome position (GRCh38, 1-based): chr11:108,140,107, C>G. VCF-style: chr11-108140107-C-G. GRCh37 (hg19) VCF-style: chr11-108010834-C-G.
Other names: c.622C>G, p.Arg208Gly (LRG_1400t1); short protein forms R208G.
Identifiers: ClinVar variation 647315 (VCV000647315.2), dbSNP rs532190594, ClinGen allele CA382507468.